The following is an entry in ClinVar:

ClinVar aggregate classification (germline): Uncertain significance. Review status: criteria provided, multiple submitters, no conflicts (2 of 4 stars). 2 submissions from 2 submitters: Uncertain significance (2). Last evaluated 2022-04-12.

Conditions:
Heterotopia, periventricular, X-linked dominant (PVNH1). Also called: PERIVENTRICULAR NODULAR HETEROTOPIA 1; X-linked periventricular heterotopia; PERIVENTRICULAR NODULAR HETEROTOPIA 4; HETEROTOPIA, PERIVENTRICULAR, 1. Identifiers: Orphanet 2149, Orphanet 82004, MedGen C1848213, MONDO:0010233, OMIM 300049.
Oto-palato-digital syndrome, type II (OPD2). Also called: OPD II SYNDROME; Otopalatodigital Syndrome, Type II; Otopalatodigital Syndrome Type 2 (FLNA-OPD2); FACIOPALATOOSSEOUS SYNDROME. Identifiers: Orphanet 669, Orphanet 90652, MedGen C1844696, MONDO:0010571, OMIM 304120.
Melnick-Needles syndrome (MNS). Also called: MELNICK-NEEDLES OSTEODYSPLASTY; OSTEODYSPLASTY OF MELNICK AND NEEDLES; Melnick-Needles Syndrome (FLNA-MNS). Identifiers: Orphanet 2484, MedGen C0025237, MONDO:0010650, OMIM 309350.
Frontometaphyseal dysplasia (FMD1). Identifiers: Orphanet 1826, MedGen C0265293, MONDO:0015942.

Submissions (2):

Labcorp Genetics (formerly Invitae), Labcorp
Classification: Uncertain significance for Oto-palato-digital syndrome, type II; Heterotopia, periventricular, X-linked dominant; Frontometaphyseal dysplasia; Melnick-Needles syndrome. Last evaluated: 2022-04-12. Review status: criteria provided, single submitter. Criteria: Invitae Variant Classification Sherloc (09022015). Collection method: clinical testing. Allele origin: germline.
Comment: In summary, the available evidence is currently insufficient to determine the role of this variant in disease. Therefore, it has been classified as a Variant of Uncertain Significance. Advanced modeling of protein sequence and biophysical properties (such as structural, functional, and spatial information, amino acid conservation, physicochemical variation, residue mobility, and thermodynamic stability) performed at Invitae indicates that this missense variant is not expected to disrupt FLNA protein function. ClinVar contains an entry for this variant (Variation ID: 1343844). This variant has not been reported in the literature in individuals affected with FLNA-related conditions. This variant is not present in population databases (gnomAD no frequency). This sequence change replaces serine, which is neutral and polar, with proline, which is neutral and non-polar, at codon 1983 of the FLNA protein (p.Ser1983Pro).

GeneDx
Classification: Uncertain significance. Last evaluated: 2022-03-01. Review status: criteria provided, single submitter. Criteria: GeneDx Variant Classification Process June 2021. Collection method: clinical testing. Allele origin: germline. Affected: yes.
Comment: Not observed at significant frequency in large population cohorts (gnomAD); In silico analysis supports that this missense variant has a deleterious effect on protein structure/function; Has not been previously published as pathogenic or benign to our knowledge

NM_001110556.2(FLNA):c.5971T>C (p.Ser1991Pro)

Gene: FLNA (filamin A; minus strand). Cytogenetic location: Xq28.
Variant type: single nucleotide variant.
Coding change: c.5971T>C on transcript NM_001110556.2 (MANE Select); coding-DNA position 5971, T replaced by C.
Protein change: p.Ser1991Pro; replaces serine 1991 with proline.
Molecular consequence: missense variant.
Genome position (GRCh38, 1-based): chrX:154,353,347, A>G on the plus strand (T>C on the coding strand, the complement: FLNA is on the minus strand). VCF-style: chrX-154353347-A-G. GRCh37 (hg19) VCF-style: chrX-153581715-A-G.
Other names: c.5947T>C, p.Ser1983Pro (NM_001456.4); short protein forms S1983P, S1991P.
Identifiers: ClinVar variation 1343844 (VCV001343844.6), dbSNP rs2148105391, ClinGen allele CA415197383.